The following is an entry in ClinVar:

ClinVar aggregate classification (germline): Uncertain significance. Review status: criteria provided, single submitter (1 of 4 stars). 2 submissions from 2 submitters: Uncertain significance (1). 1 of the submissions does not count toward it. Last evaluated 2021-08-24.

Conditions:
3-methylcrotonyl-CoA carboxylase 2 deficiency. Also called: 3 alpha methylcrotonyl-CoA carboxylase 2 deficiency; 3 alpha methylcrotonylglycinuria 2; MCC 2 deficiency; Methylcrotonylglycinuria type 2; METHYLCROTONYLGLYCINURIA, TYPE II. Identifiers: Orphanet 6, MedGen C1859499, MONDO:0008862, OMIM 210210.

Allele frequency attached by ClinVar (database versions not stated): TOPMed below 0.00001.

Submissions (2):

Labcorp Genetics (formerly Invitae), Labcorp
Classification: Uncertain significance for 3-methylcrotonyl-CoA carboxylase 2 deficiency. Last evaluated: 2021-08-24. Review status: criteria provided, single submitter. Criteria: Invitae Variant Classification Sherloc (09022015). Collection method: clinical testing. Allele origin: germline.
Comment: This sequence change replaces proline with alanine at codon 96 of the MCCC2 protein (p.Pro96Ala). The proline residue is highly conserved and there is a small physicochemical difference between proline and alanine. This variant is not present in population databases (ExAC no frequency). This variant has not been reported in the literature in individuals affected with MCCC2-related conditions. Advanced modeling of protein sequence and biophysical properties (such as structural, functional, and spatial information, amino acid conservation, physicochemical variation, residue mobility, and thermodynamic stability) performed at Invitae indicates that this missense variant is expected to disrupt MCCC2 protein function. In summary, the available evidence is currently insufficient to determine the role of this variant in disease. Therefore, it has been classified as a Variant of Uncertain Significance.

Natera, Inc.
Classification: Uncertain significance for 3-methylcrotonyl-CoA carboxylase 2 deficiency. Last evaluated: 2020-05-31. Review status: no assertion criteria provided. Collection method: clinical testing. Allele origin: germline. Not counted in ClinVar's aggregate classification.

NM_022132.5(MCCC2):c.286C>G (p.Pro96Ala)

Gene: MCCC2 (methylcrotonyl-CoA carboxylase subunit 2; plus strand). Cytogenetic location: 5q13.2.
Variant type: single nucleotide variant.
Coding change: c.286C>G on transcript NM_022132.5 (MANE Select); coding-DNA position 286, C replaced by G.
Protein change: p.Pro96Ala; replaces proline 96 with alanine.
Molecular consequence: missense variant.
Genome position (GRCh38, 1-based): chr5:71,599,663, C>G. VCF-style: chr5-71599663-C-G. GRCh37 (hg19) VCF-style: chr5-70895490-C-G.
Other names: c.286C>G, p.Pro96Ala (NM_001363147.1); short protein forms P96A.
Identifiers: ClinVar variation 1006120 (VCV001006120.10), dbSNP rs770208071, ClinGen allele CA360007919.